The following is an entry in ClinVar:

NM_001854.4(COL11A1):c.2599A>G (p.Lys867Glu)

Gene: COL11A1 (collagen type XI alpha 1 chain; minus strand). Cytogenetic location: 1p21.1.
Variant type: single nucleotide variant.
Coding change: c.2599A>G on transcript NM_001854.4 (MANE Select); coding-DNA position 2599, A replaced by G.
Protein change: p.Lys867Glu; replaces lysine 867 with glutamic acid.
Molecular consequence: missense variant. On other transcripts: non-coding transcript variant (1).
Genome position (GRCh38, 1-based): chr1:102,979,393, T>C on the plus strand (A>G on the coding strand, the complement: COL11A1 is on the minus strand). VCF-style: chr1-102979393-T-C. GRCh37 (hg19) VCF-style: chr1-103444949-T-C.
Other names: c.2482A>G, p.Lys828Glu (NM_001190709.2); c.2635A>G, p.Lys879Glu (NM_080629.3); c.2251A>G, p.Lys751Glu (NM_080630.4); short protein forms K879E, K751E, K867E, K828E.
Identifiers: ClinVar variation 4732826 (VCV004732826.1).
Genomic context (GRCh38, chr1:102,979,393, plus strand): 5'-AGCTAAGAACACTTATATACATAGTTCAAAACATATTTATATATCATACCCGTGCACCTT[T>C]CTCTCCATTGGCACCTGGAAACCCAGGGAATCCAGTGGAACCCTACAATAATAAAAGTAA-3'
Protein context (NP_001845.3, residues 857-877): FPGFPGANGE[Lys867Glu]GARGVAGKPG

ClinVar aggregate classification (germline): Uncertain significance (1 of 4 stars; one submission).

Submission:

Labcorp Genetics (formerly Invitae), Labcorp
Classification: Uncertain significance. Last evaluated: 2025-03-10. Review status: criteria provided, single submitter. Criteria: Invitae Variant Classification Sherloc (09022015). Collection method: clinical testing. Allele origin: germline.
Comment: This sequence change replaces lysine, which is basic and polar, with glutamic acid, which is acidic and polar, at codon 867 of the COL11A1 protein (p.Lys867Glu). This variant is not present in population databases (gnomAD no frequency). This variant has not been reported in the literature in individuals affected with COL11A1-related conditions. Invitae Evidence Modeling of protein sequence and biophysical properties (such as structural, functional, and spatial information, amino acid conservation, physicochemical variation, residue mobility, and thermodynamic stability) indicates that this missense variant is expected to disrupt COL11A1 protein function with a positive predictive value of 80%. In summary, the available evidence is currently insufficient to determine the role of this variant in disease. Therefore, it has been classified as a Variant of Uncertain Significance.